The following is an entry in ClinVar:

NM_000463.3(UGT1A1):c.167A>C (p.Glu56Ala)

Genes: UGT1A6 (UDP glucuronosyltransferase family 1 member A6; plus strand), UGT1A7 (UDP glucuronosyltransferase family 1 member A7; plus strand), UGT1A10 (UDP glucuronosyltransferase family 1 member A10; plus strand), UGT1A3 (UDP glucuronosyltransferase family 1 member A3; plus strand), UGT1A4 (UDP glucuronosyltransferase family 1 member A4; plus strand) and 5 more. Cytogenetic location: 2q37.1.
Variant type: single nucleotide variant.
Coding change: c.167A>C on transcript NM_000463.3 (MANE Select); coding-DNA position 167, A replaced by C.
Protein change: p.Glu56Ala; replaces glutamic acid 56 with alanine.
Molecular consequence: missense variant. On other transcripts: intron variant (9).
Genome position (GRCh38, 1-based): chr2:233,760,454, A>C. VCF-style: chr2-233760454-A-C. GRCh37 (hg19) VCF-style: chr2-234669100-A-C.
Other names: c.61-6580A>C (NM_205862.3); c.862-6580A>C (NM_001072.4); c.868-6580A>C (NM_019078.2, NM_007120.3, NM_019093.4); c.856-6580A>C (NM_019076.5, NM_019075.4, NM_021027.3 and 1 more transcripts); short protein forms E56A.
Identifiers: ClinVar variation 596451 (VCV000596451.14), dbSNP rs140365717, ClinGen allele CA2179784.
Genomic context (GRCh38, chr2:233,760,454, plus strand): 5'-ATGGCAGCCACTGGCTGAGCATGCTTGGGGCCATCCAGCAGCTGCAGCAGAGGGGACATG[A>C]AATAGTTGTCCTAGCACCTGACGCCTCGTTGTACATCAGAGACGGAGCATTTTACACCTT-3'
Protein context (NP_000454.1, residues 46-66): AIQQLQQRGH[Glu56Ala]IVVLAPDASL

ClinVar aggregate classification (germline): Uncertain significance. Review status: criteria provided, multiple submitters, no conflicts (2 of 4 stars). 6 submissions from 4 submitters: Uncertain significance (6). Last evaluated 2026-06-26.

Conditions:
UGT1A1-related disorder. Also called: UGT1A1-related condition; UGT1A1-related disorders.
Gilbert syndrome. Also called: Gilbert's syndrome; Gilbert Disease; HYPERBILIRUBINEMIA, GILBERT TYPE; HYPERBILIRUBINEMIA I; HYPERBILIRUBINEMIA, ARIAS TYPE. Identifiers: MedGen C0017551, MONDO:0007745, OMIM 143500.
Lucey-Driscoll syndrome (HBLRTFN). Also called: Transient familial neonatal hyperbilirubinemia. Identifiers: Orphanet 2312, MedGen C0270210, MONDO:0009383, OMIM 237900.
Crigler-Najjar syndrome. Identifiers: Orphanet 205, MedGen C5551003, MONDO:0009044.

Allele frequency attached by ClinVar (database versions not stated): ExAC 0.00003; gnomAD 0.00003; gnomAD exomes 0.00004 and 0.00005; TOPMed 0.00004; ESP Exome Variant Server 0.00023.
gnomAD v4.1: 64 of 1,614,102 alleles (0.004%); highest among the groups gnomAD compares: Non-Finnish European, 0.005%; no homozygotes.

Submissions (6):

PreventionGenetics, part of Exact Sciences
Classification: Uncertain significance for UGT1A1-related condition. Last evaluated: 2026-06-26. Review status: criteria provided, single submitter. Criteria: ACMG Guidelines, 2015. Collection method: clinical testing. Allele origin: germline.
Comment: The UGT1A1 c.167A>C variant is predicted to result in the amino acid substitution p.Glu56Ala. To our knowledge, this variant has not been reported in the literature. This variant is reported in 0.012% of alleles in individuals of European (Finnish) descent in gnomAD. At this time, the clinical significance of this variant is uncertain due to the absence of conclusive functional and genetic evidence.

Labcorp Genetics (formerly Invitae), Labcorp
Classification: Uncertain significance. Last evaluated: 2024-08-30. Review status: criteria provided, single submitter. Criteria: Invitae Variant Classification Sherloc (09022015). Collection method: clinical testing. Allele origin: germline.
Comment: This sequence change replaces glutamic acid, which is acidic and polar, with alanine, which is neutral and non-polar, at codon 56 of the UGT1A1 protein (p.Glu56Ala). This variant is present in population databases (rs140365717, gnomAD 0.01%). This variant has not been reported in the literature in individuals affected with UGT1A1-related conditions. ClinVar contains an entry for this variant (Variation ID: 596451). Invitae Evidence Modeling of protein sequence and biophysical properties (such as structural, functional, and spatial information, amino acid conservation, physicochemical variation, residue mobility, and thermodynamic stability) indicates that this missense variant is not expected to disrupt UGT1A1 protein function with a negative predictive value of 80%. In summary, the available evidence is currently insufficient to determine the role of this variant in disease. Therefore, it has been classified as a Variant of Uncertain Significance.

Eurofins Ntd Llc (ga)
Classification: Uncertain significance. Last evaluated: 2018-03-08. Review status: criteria provided, single submitter. Criteria: EGL ClinVar v180209 classification definitions. Collection method: clinical testing. Allele origin: germline. Observed: 1 variant allele, 1 heterozygote.

Illumina Laboratory Services, Illumina
Classification: Uncertain significance for Lucey-Driscoll syndrome. Last evaluated: 2017-04-27. Review status: criteria provided, single submitter. Criteria: ICSL Variant Classification Criteria 13 December 2019. Collection method: clinical testing. Allele origin: germline.

Illumina Laboratory Services, Illumina
Classification: Uncertain significance for Crigler-Najjar syndrome. Last evaluated: 2017-04-27. Review status: criteria provided, single submitter. Criteria: ICSL Variant Classification Criteria 13 December 2019. Collection method: clinical testing. Allele origin: germline.

Illumina Laboratory Services, Illumina
Classification: Uncertain significance for Gilbert syndrome. Last evaluated: 2017-04-27. Review status: criteria provided, single submitter. Criteria: ICSL Variant Classification Criteria 13 December 2019. Collection method: clinical testing. Allele origin: germline.